The following is an entry in ClinVar:

NM_004715.5(CTDP1):c.2645A>G (p.Gln882Arg)

Gene: CTDP1 (CTD phosphatase 1; plus strand). Cytogenetic location: 18q23.
Variant type: single nucleotide variant.
Coding change: c.2645A>G on transcript NM_004715.5 (MANE Select); coding-DNA position 2645, A replaced by G.
Protein change: p.Gln882Arg; replaces glutamine 882 with arginine.
Molecular consequence: missense variant. On other transcripts: intron variant (1).
Genome position (GRCh38, 1-based): chr18:79,736,419, A>G. VCF-style: chr18-79736419-A-G. GRCh37 (hg19) VCF-style: chr18-77496419-A-G.
Other names: c.2288A>G, p.Gln763Arg (NM_001202504.1); c.2482A>G, p.Arg828Gly (NM_048368.4); c.2580+7350A>G (NM_001318511.2); short protein forms Q763R, Q882R, R828G.
Identifiers: ClinVar variation 2648835 (VCV002648835.24), dbSNP rs1012061746, ClinGen allele CA303785695.

ClinVar aggregate classification (germline): Uncertain significance (1 of 4 stars; one submission).

Submission:

CeGaT Center for Human Genetics Tuebingen
Classification: Uncertain significance. Last evaluated: 2023-08-01. Review status: criteria provided, single submitter. Criteria: CeGaT Center For Human Genetics Tuebingen Variant Classification Criteria Version 2. Collection method: clinical testing. Allele origin: germline. Affected: yes. Observed: 1 variant allele.
Comment: CTDP1: PM2, BP4